The following is an entry in ClinVar:

NM_022489.4(INF2):c.3384G>C (p.Arg1128Ser)

Gene: INF2 (inverted formin 2; plus strand). Cytogenetic location: 14q32.33.
Variant type: single nucleotide variant.
Coding change: c.3384G>C on transcript NM_022489.4 (MANE Select); coding-DNA position 3384, G replaced by C.
Protein change: p.Arg1128Ser; replaces arginine 1128 with serine.
Molecular consequence: missense variant.
Genome position (GRCh38, 1-based): chr14:104,714,546, G>C. VCF-style: chr14-104714546-G-C. GRCh37 (hg19) VCF-style: chr14-105180883-G-C.
Other names: c.3384G>C, p.Arg1128Ser (NM_001031714.4, NM_001426862.1, NM_001426863.1 and 2 more transcripts); short protein forms R1128S.
Identifiers: ClinVar variation 2931128 (VCV002931128.3), dbSNP rs1890202829, ClinGen allele CA391224240.

ClinVar aggregate classification (germline): Uncertain significance (1 of 4 stars; one submission).

Conditions:
Focal segmental glomerulosclerosis 5 (FSGS5). Identifiers: Orphanet 656, MedGen C2750475, MONDO:0013191, OMIM 613237.
Charcot-Marie-Tooth disease dominant intermediate E. Also called: CHARCOT-MARIE-TOOTH NEUROPATHY WITH FOCAL SEGMENTAL GLOMERULONEPHRITIS. Identifiers: Orphanet 93114, MedGen C4302667, MONDO:0013758, OMIM 614455.

Submission:

Labcorp Genetics (formerly Invitae), Labcorp
Classification: Uncertain significance for Charcot-Marie-Tooth disease dominant intermediate E; Focal segmental glomerulosclerosis 5. Last evaluated: 2023-06-13. Review status: criteria provided, single submitter. Criteria: Invitae Variant Classification Sherloc (09022015). Collection method: clinical testing. Allele origin: germline.
Comment: This sequence change replaces arginine, which is basic and polar, with serine, which is neutral and polar, at codon 1128 of the INF2 protein (p.Arg1128Ser). This variant is not present in population databases (gnomAD no frequency). This variant has not been reported in the literature in individuals affected with INF2-related conditions. In summary, the available evidence is currently insufficient to determine the role of this variant in disease. Therefore, it has been classified as a Variant of Uncertain Significance. Advanced modeling of protein sequence and biophysical properties (such as structural, functional, and spatial information, amino acid conservation, physicochemical variation, residue mobility, and thermodynamic stability) performed at Invitae indicates that this missense variant is not expected to disrupt INF2 protein function.